The following is an entry in ClinVar:

NC_000001.10:g.(?_179520308)_(183559464_?)del

Genes: ACBD6 (acyl-CoA binding domain containing 6; minus strand), AXDND1 (axonemal dynein light chain domain containing 1; plus strand), CACNA1E (calcium voltage-gated channel subunit alpha1 E; plus strand), CEP350 (centrosomal protein 350; plus strand), DHX9 (DExH-box helicase 9; plus strand) and 26 more. Cytogenetic location: 1q25.2-25.3.
Variant type: Deletion.
Identifiers: ClinVar variation 3247901 (VCV003247901.1).

ClinVar aggregate classification (germline): Pathogenic (1 of 4 stars; one submission).

Submission:

Labcorp Genetics (formerly Invitae), Labcorp
Classification: Pathogenic. Last evaluated: 2023-09-28. Review status: criteria provided, single submitter. Criteria: Invitae Variant Classification Sherloc (09022015). Collection method: clinical testing. Allele origin: unknown.
Comment: A gross deletion of the genomic region encompassing the full coding sequence of the CACNA1E gene has been identified. The current clinical and genetic evidence is not sufficient to establish whether loss-of-function variants in CACNA1E cause disease. The boundaries of this event are unknown as they extend beyond the assayed region for this gene and therefore may encompass additional genes. A similar copy number variant has been observed in individual(s) with CACNA1E-related conditions (Invitae). In at least one individual the variant was observed to be de novo. Experimental studies and prediction algorithms are not available or were not evaluated, and the functional significance of this variant is currently unknown. For these reasons, this variant has been classified as Pathogenic.